The following is an entry in ClinVar:

NM_000329.3(RPE65):c.529del (p.Ala177fs)

Gene: RPE65 (retinoid isomerohydrolase RPE65; minus strand). Cytogenetic location: 1p31.3.
Variant type: Deletion.
Coding change: c.529del on transcript NM_000329.3 (MANE Select); coding-DNA position 529, one base deleted (G; older notation c.529delG).
Protein change: p.Ala177fs; shifts the reading frame from alanine 177.
Molecular consequence: frameshift variant.
Genome position (GRCh38, 1-based): chr1:68,440,967, C deleted on the plus strand (G on the coding strand, the reverse complement: RPE65 is on the minus strand); the first of 4 consecutive C bases (chr1:68,440,967-68,440,970); deleting any one gives the same sequence. VCF-style (leftmost placement, unchanged base first): chr1-68440966-GC-G. GRCh37 (hg19) VCF-style: chr1-68906649-GC-G.
Other names: c.421del, p.Ala141fs (NM_001406853.1); c.253del, p.Ala85fs (NM_001406856.1, NM_001406857.1); c.529del, p.Ala177fs (NM_001406859.1); short protein forms A141fs, A177fs, A85fs.
Identifiers: ClinVar variation 3390845 (VCV003390845.2).

ClinVar aggregate classification (germline): Pathogenic (1 of 4 stars; one submission).

Conditions:
Retinitis pigmentosa (RP). Identifiers: Orphanet 791, MedGen C0035334, MeSH D012174, MONDO:0019200, OMIM 268000. Inheritance: Autosomal dominant, autosomal recessive and X linked inheritance.

Submission:

SN ONGC Dept of Genetics and Molecular biology Vision Research Foundation
Classification: Pathogenic for Retinitis pigmentosa. Last evaluated: 2024-12-12. Review status: criteria provided, single submitter. Criteria: ACMG Guidelines, 2015. Collection method: research. Allele origin: germline. Inheritance: Autosomal recessive inheritance. Affected: yes. Observed: 1 compound heterozygote.
Comment: The c.529delG variant in RPE65 reported in one family in heterozygous state along with another reported variant c.433G>A likely to have a compound heterozygote mutation. This variant c.529del G not reported in ExAC nor in 1000Genome. The variant was also absent in 100 healthy controls screened. The variant is classified to be a pathogenic variant